The following is an entry in ClinVar:

ClinVar aggregate classification (germline): Uncertain significance (1 of 4 stars; one submission).

Conditions:
Dyskeratosis congenita, autosomal dominant 1 (DKCA1). Also called: Dyskeratosis congenita Scoggins type. Identifiers: Orphanet 1775, MedGen C4551974, MONDO:0007485, OMIM 127550. Inheritance: Variable.

Submission:

Labcorp Genetics (formerly Invitae), Labcorp
Classification: Uncertain significance for Dyskeratosis congenita, autosomal dominant 1. Last evaluated: 2025-07-31. Review status: criteria provided, single submitter. Criteria: Invitae Variant Classification Sherloc (09022015). Collection method: clinical testing. Allele origin: germline.
Comment: This variant occurs in the TERC gene, which encodes an RNA molecule that does not result in a protein product. This variant is not present in population databases (gnomAD no frequency). This variant has not been reported in the literature in individuals affected with TERC-related conditions. ClinVar contains an entry for this variant (Variation ID: 1416083). This variant is located within the BoxH/ACA scaRNA domain of the TERC RNA component, which is required for telomerase activity (PMID: 21844345). In summary, the available evidence is currently insufficient to determine the role of this variant in disease. Therefore, it has been classified as a Variant of Uncertain Significance.

Literature cited by the submitters: PubMed 21844345.

NC_000003.12:g.169764622C>G

Gene: TERC (telomerase RNA component; minus strand). Cytogenetic location: 3q26.2.
Variant type: single nucleotide variant.
Genome position: GRCh38 VCF-style: chr3-169764622-C-G. GRCh37 (hg19) VCF-style: chr3-169482410-C-G.
Identifiers: ClinVar variation 1416083 (VCV001416083.6), dbSNP rs1777956819, ClinGen allele CA436714726.
Genomic context (GRCh38, chr3:169,764,622, plus strand): 5'-GACGGATGCGCACGATCGGCGTTCCCCCCACCAACAGGAAAGCGAACTGCATGTGTGAGC[C>G]GAGTCCTGGGTGCACGTCCCACAGCTCAGGGAATCGCGCCGCGCGCGGGGACTCGCTCCG-3'